The following is an entry in ClinVar:

NM_018398.3(CACNA2D3):c.1040A>G (p.Asn347Ser)

Gene: CACNA2D3 (calcium voltage-gated channel auxiliary subunit alpha2delta 3; plus strand). Cytogenetic location: 3p14.3.
Variant type: single nucleotide variant.
Coding change: c.1040A>G on transcript NM_018398.3 (MANE Select); coding-DNA position 1040, A replaced by G.
Protein change: p.Asn347Ser; replaces asparagine 347 with serine.
Molecular consequence: missense variant.
Genome position (GRCh38, 1-based): chr3:54,627,863, A>G. VCF-style: chr3-54627863-A-G. GRCh37 (hg19) VCF-style: chr3-54661890-A-G.
Other names: short protein forms N347S.
Identifiers: ClinVar variation 3048003 (VCV003048003.2), dbSNP rs35593475, ClinGen allele CA2457530.

ClinVar aggregate classification (germline): Uncertain significance (0 of 4 stars; one submission).

Conditions:
CACNA2D3-related disorder. Also called: CACNA2D3-related condition.

Allele frequency attached by ClinVar (database versions not stated): TOPMed 0.00013; 1000 Genomes Project 30x 0.00016; ExAC 0.00019; gnomAD 0.00019; 1000 Genomes Project 0.00020; ESP Exome Variant Server 0.00025; gnomAD exomes 0.00029.
gnomAD v4.1: 446 of 1,600,824 alleles (0.028%); highest among the groups gnomAD compares: Non-Finnish European, 0.035%; no homozygotes.

Submission:

PreventionGenetics, part of Exact Sciences
Classification: Uncertain significance for CACNA2D3-related condition. Last evaluated: 2024-02-16. Review status: no assertion criteria provided. Collection method: clinical testing. Allele origin: germline.
Comment: The CACNA2D3 c.1040A>G variant is predicted to result in the amino acid substitution p.Asn347Ser. To our knowledge, this variant has not been reported in the literature. This variant is reported in 0.034% of alleles in individuals of European (Non-Finnish) descent in gnomAD. At this time, the clinical significance of this variant is uncertain due to the absence of conclusive functional and genetic evidence.